The following is an entry in ClinVar:

ClinVar aggregate classification (germline): Pathogenic (1 of 4 stars; one submission).

Submission:

Labcorp Genetics (formerly Invitae), Labcorp
Classification: Pathogenic. Last evaluated: 2023-04-10. Review status: criteria provided, single submitter. Criteria: Invitae Variant Classification Sherloc (09022015). Collection method: clinical testing. Allele origin: germline.
Comment: For these reasons, this variant has been classified as Pathogenic. Algorithms developed to predict the effect of sequence changes on RNA splicing suggest that this variant may disrupt the consensus splice site. This variant has not been reported in the literature in individuals affected with ANK1-related conditions. This variant is not present in population databases (gnomAD no frequency). This sequence change creates a premature translational stop signal (p.Gly734Aspfs*17) in the ANK1 gene. It is expected to result in an absent or disrupted protein product. Loss-of-function variants in ANK1 are known to be pathogenic (PMID: 8640229).

Literature cited by the submitters: PubMed 8640229.

NM_000037.4(ANK1):c.2199del (p.Gly734fs)

Gene: ANK1 (ankyrin 1; minus strand). Cytogenetic location: 8p11.21.
Variant type: Deletion.
Coding change: c.2199del on transcript NM_000037.4 (MANE Select); coding-DNA position 2199, one base deleted (A; older notation c.2199delA).
Protein change: p.Gly734fs; shifts the reading frame from glycine 734.
Molecular consequence: frameshift variant.
Genome position (GRCh38, 1-based): chr8:41,704,137, T deleted on the plus strand (A on the coding strand, the reverse complement: ANK1 is on the minus strand). VCF-style (leftmost placement, unchanged base first): chr8-41704136-CT-C. GRCh37 (hg19) VCF-style: chr8-41561654-CT-C.
Other names: c.2298del, p.Gly767fs (NM_001142446.2); c.2199del, p.Gly734fs (NM_020475.3, NM_020476.3, NM_020477.3); short protein forms G767fs, G734fs.
Identifiers: ClinVar variation 2854863 (VCV002854863.3), dbSNP rs2486839570, ClinGen allele CA2739278046.
Genomic context (GRCh38, chr8:41,704,136, plus strand): 5'-GAAGCAGAGTCACGATGTCTGTGTGTCCCTGCTGGGCTGCCTGGTGCAGGGGGCTGTATC[CT>C]AGCTGCAAAGTGAGCAGACATTTAGGCAGGGTTAGCCAGCCACTAGACAGAGACCTGCCT-3'